The following is an entry in ClinVar:

ClinVar aggregate classification (germline): Pathogenic (1 of 4 stars; one submission).

Conditions:
Fabry disease. Also called: ALPHA-GALACTOSIDASE A DEFICIENCY; ANDERSON-FABRY DISEASE; CERAMIDE TRIHEXOSIDASE DEFICIENCY; GLA DEFICIENCY; HEREDITARY DYSTOPIC LIPIDOSIS; Angiokeratoma corporis diffusum. Identifiers: Orphanet 324, MedGen C0002986, MONDO:0010526, OMIM 301500, HP:0001071. Disease mechanism: Fabry disease is due to inactivating mutations in the X-linked GLA gene resulting in deficiency of the enzyme Alpha Galactosidase-A., loss of function.

Submission:

Genomenon, Inc
Classification: Pathogenic for Fabry disease. Last evaluated: 2026-09-08. Review status: criteria provided, single submitter. Criteria: Genomenon Sequence Variant Interpretation Standards - Updated. Collection method: curation. Allele origin: germline. Affected: yes.
Comment: GLA p.Tyr88Ter (c.264C>G) is a nonsense variant that introduces a premature stop codon at amino acid position 88 and is predicted to result in a truncated or absent protein product. This variant has been observed in at least one proband with clinical features consistent with Fabry disease (PMID:32843101). The variant was found to segregate with disease in at least one affected family (PMID:32843101). Functional or patient cell studies have been reported (PMID:32843101;33016649). It is absent or not present at a significant frequency in gnomAD. In conclusion, we classify GLA p.Tyr88Ter (c.264C>G) as a pathogenic variant.

Literature cited by the submitters: PubMed 32843101; PubMed 33016649.

NM_000169.3(GLA):c.264C>G (p.Tyr88Ter)

Genes: GLA (galactosidase alpha; minus strand), RPL36A-HNRNPH2 (RPL36A-HNRNPH2 readthrough; plus strand). Cytogenetic location: Xq22.1.
Variant type: single nucleotide variant.
Coding change: c.264C>G on transcript NM_000169.3 (MANE Select); coding-DNA position 264, C replaced by G.
Protein change: p.Tyr88Ter; replaces tyrosine 88 with a stop codon.
Molecular consequence: nonsense. On other transcripts: non-coding transcript variant (3), intron variant (2).
Genome position (GRCh38, 1-based): chrX:101,403,916, G>C on the plus strand (C>G on the coding strand, the complement: GLA is on the minus strand). VCF-style: chrX-101403916-G-C. GRCh37 (hg19) VCF-style: chrX-100658904-G-C.
Other names: c.387C>G, p.Tyr129Ter (NM_001406747.1, NM_001406749.1); c.264C>G, p.Tyr88Ter (NM_001406748.1); c.301-8020G>C (NM_001199973.2); c.178-8020G>C (NM_001199974.2); short protein forms Y129*, Y88*.
Identifiers: ClinVar variation 4087146 (VCV004087146.2).